The following is an entry in ClinVar:

NM_001370658.1(BTD):c.719A>C (p.Asp240Ala)

Gene: BTD (biotinidase; plus strand). Cytogenetic location: 3p25.1.
Variant type: single nucleotide variant.
Coding change: c.719A>C on transcript NM_001370658.1 (MANE Select); coding-DNA position 719, A replaced by C.
Protein change: p.Asp240Ala; replaces aspartic acid 240 with alanine.
Molecular consequence: missense variant. On other transcripts: intron variant (1).
Genome position (GRCh38, 1-based): chr3:15,644,635, A>C. VCF-style: chr3-15644635-A-C. GRCh37 (hg19) VCF-style: chr3-15686142-A-C.
Other names: c.779A>C, p.Asp260Ala (NM_000060.4); c.719A>C, p.Asp240Ala (NM_001281723.4, NM_001281724.3, NM_001281725.3 and 18 more transcripts); c.399+2578A>C (NM_001370753.1); short protein forms D240A, D260A.
Identifiers: ClinVar variation 1952338 (VCV001952338.3), dbSNP rs368913302, ClinGen allele CA2277375.

ClinVar aggregate classification (germline): Uncertain significance (1 of 4 stars; one submission).

Conditions:
Biotinidase deficiency. Also called: BTD deficiency; Late-onset biotin-responsive multiple carboxylase deficiency; Biotin deficiency. Identifiers: Orphanet 79241, MedGen C0220754, MONDO:0009665, OMIM 253260.

Allele frequency attached by ClinVar (database versions not stated): ExAC 0.00001; gnomAD exomes 0.00001; ESP Exome Variant Server 0.00008.

Submission:

Labcorp Genetics (formerly Invitae), Labcorp
Classification: Uncertain significance for Biotinidase deficiency. Last evaluated: 2022-05-14. Review status: criteria provided, single submitter. Criteria: Invitae Variant Classification Sherloc (09022015). Collection method: clinical testing. Allele origin: germline.
Comment: This sequence change replaces aspartic acid, which is acidic and polar, with alanine, which is neutral and non-polar, at codon 260 of the BTD protein (p.Asp260Ala). This variant is present in population databases (rs368913302, gnomAD 0.0009%). This variant has not been reported in the literature in individuals affected with BTD-related conditions. Algorithms developed to predict the effect of missense changes on protein structure and function output the following: SIFT: "Tolerated"; PolyPhen-2: "Benign"; Align-GVGD: "Class C0". The alanine amino acid residue is found in multiple mammalian species, which suggests that this missense change does not adversely affect protein function. In summary, the available evidence is currently insufficient to determine the role of this variant in disease. Therefore, it has been classified as a Variant of Uncertain Significance.